The following is an entry in ClinVar:

ClinVar aggregate classification (germline): Uncertain significance (1 of 4 stars; one submission).

Conditions:
Familial cancer of breast. Also called: hereditary breast carcinoma; Hereditary breast cancer; BREAST CANCER, FAMILIAL. Identifiers: Orphanet 227535, MedGen C0346153, MONDO:0016419, OMIM 114480. Disease mechanism: loss of function.

Submission:

Labcorp Genetics (formerly Invitae), Labcorp
Classification: Uncertain significance for Familial cancer of breast. Last evaluated: 2020-03-06. Review status: criteria provided, single submitter. Criteria: Invitae Variant Classification Sherloc (09022015). Collection method: clinical testing. Allele origin: germline.
Comment: In summary, the available evidence is currently insufficient to determine the role of this variant in disease. Therefore, it has been classified as a Variant of Uncertain Significance. Algorithms developed to predict the effect of missense changes on protein structure and function are either unavailable or do not agree on the potential impact of this missense change (SIFT: "Deleterious"; PolyPhen-2: "Benign"; Align-GVGD: "Class C0"). This variant has not been reported in the literature in individuals with CHEK2-related conditions. This variant is not present in population databases (ExAC no frequency). This sequence change replaces glycine with alanine at codon 23 of the CHEK2 protein (p.Gly23Ala). The glycine residue is highly conserved and there is a small physicochemical difference between glycine and alanine.

NM_007194.4(CHEK2):c.68G>C (p.Gly23Ala)

Gene: CHEK2 (checkpoint kinase 2; minus strand). Cytogenetic location: 22q12.1.
Variant type: single nucleotide variant.
Coding change: c.68G>C on transcript NM_007194.4 (MANE Select); coding-DNA position 68, G replaced by C.
Protein change: p.Gly23Ala; replaces glycine 23 with alanine.
Molecular consequence: missense variant.
Genome position (GRCh38, 1-based): chr22:28,734,654, C>G on the plus strand (G>C on the coding strand, the complement: CHEK2 is on the minus strand). VCF-style: chr22-28734654-C-G. GRCh37 (hg19) VCF-style: chr22-29130642-C-G.
Other names: c.68G>C, p.Gly23Ala (NM_001005735.3, NM_001349956.3, NM_145862.3); c.-710G>C (NM_001257387.3); short protein forms G23A.
Identifiers: ClinVar variation 1038968 (VCV001038968.9), dbSNP rs1601853772, ClinGen allele CA411091723.